The following is an entry in ClinVar:

ClinVar aggregate classification (germline): Uncertain significance (1 of 4 stars; one submission).

Submission:

Ambry Genetics
Classification: Uncertain significance. Last evaluated: 2024-11-11. Review status: criteria provided, single submitter. Criteria: Ambry Variant Classification Scheme 2023. Collection method: clinical testing. Allele origin: germline.
Comment: The p.E218V variant (also known as c.653A>T), located in coding exon 1 of the TERF2IP gene, results from an A to T substitution at nucleotide position 653. The glutamic acid at codon 218 is replaced by valine, an amino acid with dissimilar properties. This amino acid position is conserved. In addition, this alteration is predicted to be tolerated by in silico analysis. Based on the available evidence, the clinical significance of this variant remains unclear.

NM_018975.4(TERF2IP):c.653A>T (p.Glu218Val)

Gene: TERF2IP (TERF2 interacting protein; plus strand). Cytogenetic location: 16q23.1.
Variant type: single nucleotide variant.
Coding change: c.653A>T on transcript NM_018975.4 (MANE Select); coding-DNA position 653, A replaced by T.
Protein change: p.Glu218Val; replaces glutamic acid 218 with valine.
Molecular consequence: missense variant. On other transcripts: non-coding transcript variant (1).
Genome position (GRCh38, 1-based): chr16:75,648,535, A>T. VCF-style: chr16-75648535-A-T. GRCh37 (hg19) VCF-style: chr16-75682433-A-T.
Other names: short protein forms E218V.
Identifiers: ClinVar variation 3455136 (VCV003455136.1).